The following is an entry in ClinVar:

ClinVar aggregate classification (germline): Pathogenic (1 of 4 stars; one submission).

Conditions:
Familial melanoma. Also called: Hereditary melanoma; Hereditary cutaneous melanoma. Identifiers: Orphanet 618, MedGen C1512419, MONDO:0018961.

Submission:

Labcorp Genetics (formerly Invitae), Labcorp
Classification: Pathogenic for Familial melanoma. Last evaluated: 2018-09-11. Review status: criteria provided, single submitter. Criteria: Invitae Variant Classification Sherloc (09022015). Collection method: clinical testing. Allele origin: unknown.
Comment: For these reasons, this variant has been classified as Pathogenic. The evidence indicates that this variant confers risk of developing CDKN2A (p16INK4a)-associated conditions and CDKN2A (p14ARF)-associated conditions. Loss-of-function variants in CDKN2A (p16INK4a) are known to be pathogenic (PMID: 15146471, 16905682). Experimental studies have shown that this variant results in a splicing defect to the¬†p14ARF transcript, and an unstable, aberrantly localized¬†p14ARF¬†protein that is less functional than wild-type (PMID: 17001621). This variant has been observed to segregate with malignant melanoma in a family (PMID: 17001621) and has been observed in several other individuals with a personal and/or family history of melanoma (PMID: 18023021). The CDKN2A gene encodes two different proteins, p16INK4a and p14ARF, which are translated from alternative transcripts that have different open reading frames. This variant is a gross deletion of the genomic region encompassing exon 1 and part of exon 2¬†(NM_000077.4:c.-6364_317del) of the CDKN2A (p16INK4a) transcript, which includes the initiator codon. This is expected to result in an absent or disrupted¬†p16INK4a¬†protein product. Additionally, this variant is a¬†gross deletion of the genomic region encompassing part of exon 2¬†(NM_058195.3:c.194-9983_360del)¬†of the¬†CDKN2A (p14ARF) transcript.¬†It is expected to disrupt RNA¬†splicing of this transcript and likely results in an absent or disrupted¬†p14ARF¬†protein product.

Literature cited by the submitters: PubMed 15146471; PubMed 16905682; PubMed 17001621; PubMed 18023021.

NC_000009.11:g.(?_21971045)_(21981194_?)del

Gene: CDKN2A (cyclin dependent kinase inhibitor 2A; minus strand). Cytogenetic location: 9p21.3.
Variant type: Deletion.
Identifiers: ClinVar variation 3245179 (VCV003245179.1).